The following is an entry in ClinVar:

ClinVar aggregate classification (germline): Uncertain significance. Review status: criteria provided, multiple submitters, no conflicts (2 of 4 stars). 2 submissions from 2 submitters: Uncertain significance (2). Last evaluated 2025-06-15.

gnomAD v4.1: 208 of 1,614,032 alleles (0.013%); highest among the groups gnomAD compares: African/African-American, 0.21%; no homozygotes.

Submissions (2):

GeneDx
Classification: Uncertain significance. Last evaluated: 2025-06-15. Review status: criteria provided, single submitter. Criteria: GeneDx Variant Classification Process June 2021. Collection method: clinical testing. Allele origin: germline. Affected: yes.
Comment: In silico analysis supports that this missense variant has a deleterious effect on protein structure/function; Has not been previously published as pathogenic or benign to our knowledge

CeGaT Center for Human Genetics Tuebingen
Classification: Uncertain significance. Last evaluated: 2025-04-01. Review status: criteria provided, single submitter. Criteria: CeGaT Center For Human Genetics Tuebingen Variant Classification Criteria Version 2. Collection method: clinical testing. Allele origin: germline. Affected: yes. Observed: 1 variant allele.
Comment: PAPPA2: PM2:Supporting, BP4

NM_020318.3(PAPPA2):c.4190C>T (p.Pro1397Leu)

Gene: PAPPA2 (pappalysin 2; plus strand). Cytogenetic location: 1q25.2.
Variant type: single nucleotide variant.
Coding change: c.4190C>T on transcript NM_020318.3 (MANE Select); coding-DNA position 4190, C replaced by T.
Protein change: p.Pro1397Leu; replaces proline 1397 with leucine.
Molecular consequence: missense variant.
Genome position (GRCh38, 1-based): chr1:176,765,704, C>T. VCF-style: chr1-176765704-C-T. GRCh37 (hg19) VCF-style: chr1-176734840-C-T.
Other names: c.4190C>T (NM_020318.2); short protein forms P1397L.
Identifiers: ClinVar variation 3898165 (VCV003898165.8).